The following is an entry in ClinVar:

NM_033109.5(PNPT1):c.161+5G>A

Gene: PNPT1 (polyribonucleotide nucleotidyltransferase 1; minus strand). Cytogenetic location: 2p16.1.
Variant type: single nucleotide variant.
Coding change: c.161+5G>A on transcript NM_033109.5 (MANE Select); 5 bases into the intron after coding-DNA position 161, G replaced by A.
Molecular consequence: intron variant.
Genome position (GRCh38, 1-based): chr2:55,693,658, C>T on the plus strand (G>A on the coding strand, the complement: PNPT1 is on the minus strand). VCF-style: chr2-55693658-C-T. GRCh37 (hg19) VCF-style: chr2-55920793-C-T.
Identifiers: ClinVar variation 1432120 (VCV001432120.3), dbSNP rs775357496, ClinGen allele CA47667716.

ClinVar aggregate classification (germline): Uncertain significance (1 of 4 stars; one submission).

Allele frequency attached by ClinVar (database versions not stated): gnomAD 0.00001; gnomAD exomes 0.00001 and 0.00003; TOPMed 0.00002.
gnomAD v4.1: 41 of 1,614,036 alleles (0.0025%); highest among the groups gnomAD compares: Non-Finnish European, 0.0034%; no homozygotes.

Submission:

Labcorp Genetics (formerly Invitae), Labcorp
Classification: Uncertain significance. Last evaluated: 2022-01-23. Review status: criteria provided, single submitter. Criteria: Invitae Variant Classification Sherloc (09022015). Collection method: clinical testing. Allele origin: germline.
Comment: This sequence change falls in intron 1 of the PNPT1 gene. It does not directly change the encoded amino acid sequence of the PNPT1 protein. It affects a nucleotide within the consensus splice site. This variant is present in population databases (rs775357496, gnomAD 0.002%). This variant has not been reported in the literature in individuals affected with PNPT1-related conditions. Variants that disrupt the consensus splice site are a relatively common cause of aberrant splicing (PMID: 17576681, 9536098). Algorithms developed to predict the effect of sequence changes on RNA splicing suggest that this variant is not likely to affect RNA splicing. In summary, the available evidence is currently insufficient to determine the role of this variant in disease. Therefore, it has been classified as a Variant of Uncertain Significance.

Literature cited by the submitters: PubMed 17576681; PubMed 9536098.